The following is an entry in ClinVar:

ClinVar aggregate classification (germline): Uncertain significance (1 of 4 stars; one submission).

Allele frequency attached by ClinVar (database versions not stated): ExAC 0.00001; TOPMed 0.00002; gnomAD 0.00003.
gnomAD v4.1: 15 of 1,614,040 alleles (0.00093%); highest among the groups gnomAD compares: African/African-American, 0.0027%; no homozygotes.

Submission:

Women's Health and Genetics/Laboratory Corporation of America, LabCorp
Classification: Uncertain significance. Last evaluated: 2023-04-26. Review status: criteria provided, single submitter. Criteria: LabCorp Variant Classification Summary - May 2015. Collection method: clinical testing. Allele origin: germline.
Comment: Variant summary: ERCC2 c.1348C>T (p.Arg450Cys) results in a non-conservative amino acid change in the encoded protein sequence. Five of five in-silico tools predict a damaging effect of the variant on protein function. The variant allele was found at a frequency of 8e-06 in 251434 control chromosomes (gnomAD). The available data on variant occurrences in the general population are insufficient to allow any conclusion about variant significance. To our knowledge, no occurrence of c.1348C>T in individuals affected with Xeroderma Pigmentosum or Trichothiodystrophy and no experimental evidence demonstrating its impact on protein function have been reported. No clinical diagnostic laboratories have submitted clinical-significance assessments for this variant to ClinVar after 2014. Based on the evidence outlined above, the variant was classified as uncertain significance.

NM_000400.4(ERCC2):c.1348C>T (p.Arg450Cys)

Gene: ERCC2 (ERCC excision repair 2, TFIIH core complex helicase subunit; minus strand). Cytogenetic location: 19q13.32.
Variant type: single nucleotide variant.
Coding change: c.1348C>T on transcript NM_000400.4 (MANE Select); coding-DNA position 1348, C replaced by T.
Protein change: p.Arg450Cys; replaces arginine 450 with cysteine.
Molecular consequence: missense variant.
Genome position (GRCh38, 1-based): chr19:45,357,503, G>A on the plus strand (C>T on the coding strand, the complement: ERCC2 is on the minus strand). VCF-style: chr19-45357503-G-A. GRCh37 (hg19) VCF-style: chr19-45860761-G-A.
Other names: short protein forms R450C.
Identifiers: ClinVar variation 2503916 (VCV002503916.1), dbSNP rs749815182, ClinGen allele CA9513343.
Genomic context (GRCh38, chr19:45,357,503, plus strand): 5'-GGACTAGGAGGGGACGGGGAAGGGTCCTTACCCCAGATGTGATGATGACAGACTGGAAAC[G>A]CTCAAATACGGGTTTGATGGCCAGCGAGGCGTCCATGCAGCTGGAGAGAGATGAGGGCAG-3'
Protein context (NP_000391.1, residues 440-460): ASLAIKPVFE[Arg450Cys]FQSVIITSGT